The following is an entry in ClinVar:

NM_203447.4(DOCK8):c.289C>A (p.Pro97Thr)

Genes: DOCK8 (dedicator of cytokinesis 8; plus strand), LOC126860552 (BRD4-independent group 4 enhancer GRCh37_chr9:285795-286994; plus strand). Cytogenetic location: 9p24.3.
Variant type: single nucleotide variant.
Coding change: c.289C>A on transcript NM_203447.4 (MANE Select); coding-DNA position 289, C replaced by A.
Protein change: p.Pro97Thr; replaces proline 97 with threonine.
Molecular consequence: missense variant.
Genome position (GRCh38, 1-based): chr9:286,593, C>A. VCF-style: chr9-286593-C-A. GRCh37 (hg19) VCF-style: chr9-286593-C-A.
Other names: c.85C>A, p.Pro29Thr (NM_001190458.2, NM_001193536.2); short protein forms P97T, P29T.
Identifiers: ClinVar variation 178766 (VCV000178766.31), dbSNP rs529208, ClinGen allele CA182966.

ClinVar aggregate classification (germline): Benign/Likely benign. Review status: criteria provided, multiple submitters, no conflicts (2 of 4 stars). 14 submissions from 14 submitters: Benign (11); Likely benign (1). 2 of the submissions do not count toward it. Last evaluated 2026-02-04.

Conditions:
Combined immunodeficiency due to DOCK8 deficiency (HIES2). Also called: HIES autosomal recessive; Hyper-IgE recurrent infection syndrome, autosomal recessive; HYPER-IgE SYNDROME 2, AUTOSOMAL RECESSIVE, WITH RECURRENT INFECTIONS; HYPER-IgE RECURRENT INFECTION SYNDROME 2, AUTOSOMAL RECESSIVE; DOCK8 Deficiency. Identifiers: Orphanet 217390, MedGen C4722305, MONDO:0009478, OMIM 243700.

Allele frequency attached by ClinVar (database versions not stated): ESP Exome Variant Server 0.46425; TOPMed 0.47759; gnomAD 0.47790 and 0.48576; gnomAD exomes 0.50108 and 0.52544; ExAC 0.52063; 1000 Genomes Project 30x 0.52108; 1000 Genomes Project 0.52975.
gnomAD v4.1: 806,303 of 1,613,234 alleles (50%); highest among the groups gnomAD compares: East Asian, 74%; 204,070 homozygotes.

Submissions (14):

Labcorp Genetics (formerly Invitae), Labcorp
Classification: Benign for Combined immunodeficiency due to DOCK8 deficiency. Last evaluated: 2026-02-04. Review status: criteria provided, single submitter. Criteria: Invitae Variant Classification Sherloc (09022015). Collection method: clinical testing. Allele origin: germline.

Women's Health and Genetics/Laboratory Corporation of America, LabCorp
Classification: Benign. Last evaluated: 2026-01-21. Review status: criteria provided, single submitter. Criteria: LabCorp Variant Classification Summary - May 2015. Collection method: clinical testing. Allele origin: germline.

Blueprint Genetics
Classification: Likely benign. Last evaluated: 2024-11-27. Review status: criteria provided, single submitter. Criteria: ACMG Guidelines, 2015. Collection method: clinical testing. Allele origin: germline.

Unidad de Genómica Garrahan, Hospital de Pediatría Garrahan
Classification: Benign. Last evaluated: 2023-11-12. Review status: criteria provided, single submitter. Criteria: ACMG Guidelines, 2015. Collection method: clinical testing. Allele origin: germline. Affected: no. Observed: 77 variant alleles.
Comment: This variant is classified as Benign based on local population frequency. This variant was detected in 80% of patients studied by a panel of primary immunodeficiencies. Number of patients: 77. Only high quality variants are reported.

Genome-Nilou Lab
Classification: Benign for Combined immunodeficiency due to DOCK8 deficiency. Last evaluated: 2021-07-14. Review status: criteria provided, single submitter. Criteria: ACMG Guidelines, 2015. Collection method: clinical testing. Allele origin: germline. Affected: no.

Mayo Clinic Laboratories, Mayo Clinic
Classification: Benign. Last evaluated: 2019-02-26. Review status: criteria provided, single submitter. Criteria: ACMG Guidelines, 2015. Collection method: clinical testing. Allele origin: germline. Observed: 660 variant alleles.

Illumina Laboratory Services, Illumina
Classification: Benign for Combined immunodeficiency due to DOCK8 deficiency. Last evaluated: 2018-01-13. Review status: criteria provided, single submitter. Criteria: ICSL Variant Classification Criteria 13 December 2019. Collection method: clinical testing. Allele origin: germline.
Comment: This variant was observed in the ICSL laboratory as part of a predisposition screen in an ostensibly healthy population. It had not been previously curated by ICSL or reported in the Human Gene Mutation Database (HGMD: prior to June 1st, 2018), and was therefore a candidate for classification through an automated scoring system. Utilizing variant allele frequency, disease prevalence and penetrance estimates, and inheritance mode, an automated score was calculated to assess if this variant is too frequent to cause the disease. Based on the score and internal cut-off values, a variant classified as benign is not then subjected to further curation. The score for this variant resulted in a classification of benign for this disease.

Oxford Medical Genetics Laboratories, Oxford University Hospitals NHS Foundation Trust
Classification: Benign for Combined immunodeficiency due to DOCK8 deficiency. Last evaluated: 2015-08-25. Review status: criteria provided, single submitter. Criteria: Kienzler et al. (Clin Immunol. 2016). Collection method: clinical testing. Allele origin: maternal, germline. Affected: yes and no. Observed: 1 heterozygote, 1 hemizygote.

GeneDx
Classification: Benign. Last evaluated: 2015-03-03. Review status: criteria provided, single submitter. Criteria: GeneDx Variant Classification Process June 2021. Collection method: clinical testing. Allele origin: germline. Affected: yes.

Laboratory for Molecular Medicine, Mass General Brigham Personalized Medicine
Classification: Benign. Last evaluated: 2013-02-21. Review status: criteria provided, single submitter. Criteria: LMM Criteria. Collection method: clinical testing. Allele origin: germline. Observed: 43 variant alleles.
Comment: Pro97Thr in exon 3 of DOCK8: This variant is not expected to have clinical signi ficance because it has been identified in 49.0% (4213/8600) of European American chromosomes from a broad population by the NHLBI Exome Sequencing Project (dbSNP rs529208).

Breakthrough Genomics
Classification: Benign. Review status: criteria provided, single submitter. Criteria: ACMG Guidelines, 2015. Collection method: not provided. Allele origin: germline. Inheritance: Autosomal recessive inheritance. Affected: yes.

PreventionGenetics, part of Exact Sciences
Classification: Benign. Review status: criteria provided, single submitter. Criteria: ACMG Guidelines, 2015. Collection method: clinical testing. Allele origin: germline.

Diagnostic Laboratory, Department of Genetics, University Medical Center Groningen
Classification: Benign. Review status: no assertion criteria provided. Collection method: clinical testing. Allele origin: germline. Affected: yes. Study: VKGL Data-share Consensus. Not counted in ClinVar's aggregate classification.

Genome Diagnostics Laboratory, University Medical Center Utrecht
Classification: Benign. Review status: no assertion criteria provided. Collection method: clinical testing. Allele origin: germline. Affected: yes. Study: VKGL Data-share Consensus. Not counted in ClinVar's aggregate classification.